The following is an entry in ClinVar:

ClinVar aggregate classification (germline): Uncertain significance. Review status: criteria provided, multiple submitters, no conflicts (2 of 4 stars). 2 submissions from 2 submitters: Uncertain significance (2). Last evaluated 2026-01-19.

Conditions:
EGFR-related lung cancer (EGFR). Identifiers: MedGen CN130014.
Hereditary cancer-predisposing syndrome. Also called: Tumor predisposition; Hereditary neoplastic syndrome; Neoplastic Syndromes, Hereditary; Hereditary Cancer Syndrome. Identifiers: Orphanet 140162, MedGen C0027672, MeSH D009386, MONDO:0015356.

Allele frequency attached by ClinVar (database versions not stated): gnomAD 0.00001; ExAC 0.00002; TOPMed 0.00002; gnomAD exomes 0.00003; ESP Exome Variant Server 0.00008; 1000 Genomes Project 30x 0.00016; 1000 Genomes Project 0.00020.
gnomAD v4.1: 16 of 1,614,052 alleles (0.00099%); highest among the groups gnomAD compares: East Asian, 0.0022%; no homozygotes.

Submissions (2):

Labcorp Genetics (formerly Invitae), Labcorp
Classification: Uncertain significance for EGFR-related lung cancer. Last evaluated: 2026-01-19. Review status: criteria provided, single submitter. Criteria: Invitae Variant Classification Sherloc (09022015). Collection method: clinical testing. Allele origin: germline.
Comment: This sequence change replaces alanine, which is neutral and non-polar, with threonine, which is neutral and polar, at codon 955 of the EGFR protein (p.Ala955Thr). This variant is present in population databases (rs201830126, gnomAD 0.005%). This variant has not been reported in the literature in individuals affected with EGFR-related conditions. ClinVar contains an entry for this variant (Variation ID: 856961). Invitae Evidence Modeling of protein sequence and biophysical properties (such as structural, functional, and spatial information, amino acid conservation, physicochemical variation, residue mobility, and thermodynamic stability) has been performed for this missense variant. However, the output from this modeling did not meet the statistical confidence thresholds required to predict the impact of this variant on EGFR protein function. In summary, the available evidence is currently insufficient to determine the role of this variant in disease. Therefore, it has been classified as a Variant of Uncertain Significance.

Ambry Genetics
Classification: Uncertain significance for Hereditary cancer-predisposing syndrome. Last evaluated: 2025-03-27. Review status: criteria provided, single submitter. Criteria: Ambry Variant Classification Scheme 2023. Collection method: clinical testing. Allele origin: germline.
Comment: The p.A955T variant (also known as c.2863G>A), located in coding exon 24 of the EGFR gene, results from a G to A substitution at nucleotide position 2863. The alanine at codon 955 is replaced by threonine, an amino acid with similar properties. This amino acid position is highly conserved in available vertebrate species. In addition, the in silico prediction for this alteration is inconclusive. Based on the available evidence, the clinical significance of this variant remains unclear.

NM_005228.5(EGFR):c.2863G>A (p.Ala955Thr)

Gene: EGFR (epidermal growth factor receptor; plus strand). Cytogenetic location: 7p11.2.
Variant type: single nucleotide variant.
Coding change: c.2863G>A on transcript NM_005228.5 (MANE Select); coding-DNA position 2863, G replaced by A.
Protein change: p.Ala955Thr; replaces alanine 955 with threonine.
Molecular consequence: missense variant.
Genome position (GRCh38, 1-based): chr7:55,200,330, G>A. VCF-style: chr7-55200330-G-A. GRCh37 (hg19) VCF-style: chr7-55268023-G-A.
Other names: c.2728G>A, p.Ala910Thr (NM_001346897.2, NM_001346899.2); c.2863G>A, p.Ala955Thr (NM_001346898.2); c.2704G>A, p.Ala902Thr (NM_001346900.2); c.2062G>A, p.Ala688Thr (NM_001346941.2); short protein forms A688T, A955T, A910T, A902T.
Identifiers: ClinVar variation 856961 (VCV000856961.9), dbSNP rs201830126, ClinGen allele CA4266198.